The following is an entry in ClinVar:

ClinVar aggregate classification (germline): Uncertain significance (1 of 4 stars; one submission).

Conditions:
Deficiency of isobutyryl-CoA dehydrogenase. Also called: ACYL-CoA DEHYDROGENASE FAMILY, MEMBER 8, DEFICIENCY OF; IBD DEFICIENCY; ACAD8 DEFICIENCY. Identifiers: Orphanet 79159, MedGen C1969809, MONDO:0012648, OMIM 611283.

gnomAD v4.1: 3 of 1,613,482 alleles (0.00019%); highest among the groups gnomAD compares: South Asian, 0.0033%; no homozygotes.

Submission:

Labcorp Genetics (formerly Invitae), Labcorp
Classification: Uncertain significance for Deficiency of isobutyryl-CoA dehydrogenase. Last evaluated: 2020-01-13. Review status: criteria provided, single submitter. Criteria: Invitae Variant Classification Sherloc (09022015). Collection method: clinical testing. Allele origin: germline.
Comment: In summary, the available evidence is currently insufficient to determine the role of this variant in disease. Therefore, it has been classified as a Variant of Uncertain Significance. This sequence change falls in intron 1 of the ACAD8 gene. It does not directly change the encoded amino acid sequence of the ACAD8 protein. Algorithms developed to predict the effect of sequence changes on RNA splicing suggest that this variant may disrupt the consensus splice site, but this prediction has not been confirmed by published transcriptional studies. This variant has not been reported in the literature in individuals with ACAD8-related conditions. This variant is not present in population databases (ExAC no frequency).

NM_014384.3(ACAD8):c.110-6C>T

Gene: ACAD8 (acyl-CoA dehydrogenase family member 8; plus strand). Cytogenetic location: 11q25.
Variant type: single nucleotide variant.
Coding change: c.110-6C>T on transcript NM_014384.3 (MANE Select); 6 bases into the intron before coding-DNA position 110, C replaced by T.
Molecular consequence: intron variant.
Genome position (GRCh38, 1-based): chr11:134,256,542, C>T. VCF-style: chr11-134256542-C-T. GRCh37 (hg19) VCF-style: chr11-134126436-C-T.
Identifiers: ClinVar variation 1035166 (VCV001035166.10), dbSNP rs559628768, ClinGen allele CA602655079.